The following is an entry in ClinVar:

ClinVar aggregate classification (germline): Uncertain significance. Review status: criteria provided, multiple submitters, no conflicts (2 of 4 stars). 2 submissions from 2 submitters: Uncertain significance (2). Last evaluated 2025-12-03.

Submissions (2):

Labcorp Genetics (formerly Invitae), Labcorp
Classification: Uncertain significance. Last evaluated: 2025-12-03. Review status: criteria provided, single submitter. Criteria: Invitae Variant Classification Sherloc (09022015). Collection method: clinical testing. Allele origin: germline.
Comment: This sequence change replaces proline, which is neutral and non-polar, with leucine, which is neutral and non-polar, at codon 328 of the RNF43 protein (p.Pro328Leu). This variant is not present in population databases (gnomAD no frequency). This variant has not been reported in the literature in individuals affected with RNF43-related conditions. ClinVar contains an entry for this variant (Variation ID: 3789927). An algorithm developed to predict the effect of missense changes on protein structure and function (PolyPhen-2) suggests that this variant is likely to be tolerated. In summary, the available evidence is currently insufficient to determine the role of this variant in disease. Therefore, it has been classified as a Variant of Uncertain Significance.

Ambry Genetics
Classification: Uncertain significance. Last evaluated: 2025-02-05. Review status: criteria provided, single submitter. Criteria: Ambry Variant Classification Scheme 2023. Collection method: clinical testing. Allele origin: germline.
Comment: The p.P328L variant (also known as c.983C>T), located in coding exon 8 of the RNF43 gene, results from a C to T substitution at nucleotide position 983. The proline at codon 328 is replaced by leucine, an amino acid with similar properties. This amino acid position is conserved. In addition, this alteration is predicted to be tolerated by in silico analysis. Based on the available evidence, the clinical significance of this variant remains unclear.

NM_017763.6(RNF43):c.983C>T (p.Pro328Leu)

Gene: RNF43 (ring finger protein 43; minus strand). Cytogenetic location: 17q22.
Variant type: single nucleotide variant.
Coding change: c.983C>T on transcript NM_017763.6 (MANE Select); coding-DNA position 983, C replaced by T.
Protein change: p.Pro328Leu; replaces proline 328 with leucine.
Molecular consequence: missense variant.
Genome position (GRCh38, 1-based): chr17:58,358,793, G>A on the plus strand (C>T on the coding strand, the complement: RNF43 is on the minus strand). VCF-style: chr17-58358793-G-A. GRCh37 (hg19) VCF-style: chr17-56436154-G-A.
Other names: c.983C>T, p.Pro328Leu (NM_001305544.3); c.602C>T, p.Pro201Leu (NM_001305545.2); short protein forms P328L, P201L.
Identifiers: ClinVar variation 3789927 (VCV003789927.2).
Genomic context (GRCh38, chr17:58,358,793, plus strand): 5'-TGGCCGGGATGCTGGCGAATGAGGTGGAGTCTTCGACCTGGTTCTTGGTAAGATCGAGAG[G>A]GTCCCAGGGACTGGGAAAATGAATCTCCCTCTGGAAAAAAGAACCAAGAGCACAGATGTT-3'
Protein context (NP_060233.3, residues 318-338): EGDSFSQSLG[Pro328Leu]SRSYQEPGRR